The following is an entry in ClinVar:

NC_000014.9:g.(?_65101536)_(65102349_?)del

Genes: MAX (MYC associated transcriptional regulator X; minus strand), LOC130055850 (ATAC-STARR-seq lymphoblastoid silent region 5847; plus strand). Cytogenetic location: 14q23.3.
Variant type: Deletion.
Identifiers: ClinVar variation 642041 (VCV000642041.8).

ClinVar aggregate classification (germline): Pathogenic (1 of 4 stars; one submission).

Conditions:
Hereditary pheochromocytoma and paraganglioma. Also called: Hereditary Paraganglioma-Pheochromocytoma Syndromes; Hereditary paragangliomas and pheochromocytomas; Hereditary pheochromocytoma-paraganglioma. Identifiers: Orphanet 29072, MedGen C4274332, MONDO:0017366.

Submission:

Labcorp Genetics (formerly Invitae), Labcorp
Classification: Pathogenic for Hereditary pheochromocytoma and paraganglioma. Last evaluated: 2018-07-03. Review status: criteria provided, single submitter. Criteria: Invitae Variant Classification Sherloc (09022015). Collection method: clinical testing. Allele origin: germline.
Comment: For these reasons, this variant has been classified as Pathogenic. While this particular deletion has not been reported in the literature, loss of function variants including gross deletions in MAX are known to be pathogenic (PMID: 21685915, 22452945, 26070438). This variant is a gross deletion of the genomic region encompassing exons 1-2 of the MAX gene, which includes the initiator codon. The 5' end of this event is unknown as it extends beyond the assayed region for this gene and therefore may encompass additional genes. The 3' boundary is likely confined to intron 2 of the MAX gene. It is expected to result in an absent or disrupted protein product.

Literature cited by the submitters: PubMed 21685915; PubMed 22452945; PubMed 26070438.